The following is an entry in ClinVar:

NM_000414.4(HSD17B4):c.766A>G (p.Ile256Val)

Gene: HSD17B4 (hydroxysteroid 17-beta dehydrogenase 4; plus strand). Cytogenetic location: 5q23.1.
Variant type: single nucleotide variant.
Coding change: c.766A>G on transcript NM_000414.4 (MANE Select); coding-DNA position 766, A replaced by G.
Protein change: p.Ile256Val; replaces isoleucine 256 with valine.
Molecular consequence: missense variant.
Genome position (GRCh38, 1-based): chr5:119,493,844, A>G. VCF-style: chr5-119493844-A-G. GRCh37 (hg19) VCF-style: chr5-118829539-A-G.
Other names: c.841A>G, p.Ile281Val (NM_001199291.3); c.712A>G, p.Ile238Val (NM_001199292.2); c.694A>G, p.Ile232Val (NM_001292027.2); c.346A>G, p.Ile116Val (NM_001292028.2); short protein forms I256V, I116V, I238V, I281V, I232V.
Identifiers: ClinVar variation 596184 (VCV000596184.6), dbSNP rs768345875, ClinGen allele CA3381981.

ClinVar aggregate classification (germline): Uncertain significance. Review status: criteria provided, multiple submitters, no conflicts (2 of 4 stars). 2 submissions from 2 submitters: Uncertain significance (2). Last evaluated 2022-01-28.

Conditions:
Bifunctional peroxisomal enzyme deficiency (DBIF). Also called: PBFE DEFICIENCY; D-bifunctional protein deficiency; DBP DEFICIENCY. Identifiers: Orphanet 300, MedGen C0342870, MONDO:0009855, OMIM 261515. Disease mechanism: loss of function.
Perrault syndrome. Also called: Gonadal dysgenesis with auditory dysfunction, autosomal recessive inheritance. Identifiers: Orphanet 2855, MedGen C0685838, MONDO:0017312.

Allele frequency attached by ClinVar (database versions not stated): gnomAD 0.00001; gnomAD exomes 0.00001; ExAC 0.00002.
gnomAD v4.1: 11 of 1,612,904 alleles (0.00068%); highest among the groups gnomAD compares: Non-Finnish European, 0.00051%; no homozygotes.

Submissions (2):

Labcorp Genetics (formerly Invitae), Labcorp
Classification: Uncertain significance for Perrault syndrome; Bifunctional peroxisomal enzyme deficiency. Last evaluated: 2022-01-28. Review status: criteria provided, single submitter. Criteria: Invitae Variant Classification Sherloc (09022015). Collection method: clinical testing. Allele origin: germline.
Comment: This sequence change replaces isoleucine, which is neutral and non-polar, with valine, which is neutral and non-polar, at codon 256 of the HSD17B4 protein (p.Ile256Val). This variant is present in population databases (rs768345875, gnomAD 0.01%). This variant has not been reported in the literature in individuals affected with HSD17B4-related conditions. ClinVar contains an entry for this variant (Variation ID: 596184). Advanced modeling of protein sequence and biophysical properties (such as structural, functional, and spatial information, amino acid conservation, physicochemical variation, residue mobility, and thermodynamic stability) performed at Invitae indicates that this missense variant is not expected to disrupt HSD17B4 protein function. In summary, the available evidence is currently insufficient to determine the role of this variant in disease. Therefore, it has been classified as a Variant of Uncertain Significance.

Eurofins Ntd Llc (ga)
Classification: Uncertain significance. Last evaluated: 2018-02-15. Review status: criteria provided, single submitter. Criteria: EGL ClinVar v180209 classification definitions. Collection method: clinical testing. Allele origin: germline. Observed: 1 variant allele, 1 heterozygote.